The following is an entry in ClinVar:

ClinVar aggregate classification (germline): Likely benign. Review status: criteria provided, multiple submitters, no conflicts (2 of 4 stars). 3 submissions from 3 submitters: Likely benign (2). 1 of the submissions does not count toward it. Last evaluated 2023-12-08.

Conditions:
EFTUD2-related disorder. Also called: EFTUD2-related condition.

Allele frequency attached by ClinVar (database versions not stated): ExAC 0.00004; gnomAD 0.00004; TOPMed 0.00006.
gnomAD v4.1: 39 of 1,612,934 alleles (0.0024%); highest among the groups gnomAD compares: East Asian, 0.0045%; no homozygotes.

Submissions (3):

Blueprint Genetics
Classification: Likely benign. Last evaluated: 2023-12-08. Review status: criteria provided, single submitter. Criteria: ACMG Guidelines, 2015. Collection method: clinical testing. Allele origin: germline.

Labcorp Genetics (formerly Invitae), Labcorp
Classification: Likely benign. Last evaluated: 2022-08-25. Review status: criteria provided, single submitter. Criteria: Invitae Variant Classification Sherloc (09022015). Collection method: clinical testing. Allele origin: germline.

PreventionGenetics, part of Exact Sciences
Classification: Likely benign for EFTUD2-related condition. Last evaluated: 2023-02-28. Review status: no assertion criteria provided. Collection method: clinical testing. Allele origin: germline. Not counted in ClinVar's aggregate classification.
Comment: This variant is classified as likely benign based on ACMG/AMP sequence variant interpretation guidelines (Richards et al. 2015 PMID: 25741868, with internal and published modifications).

NM_004247.4(EFTUD2):c.1875C>T (p.Gly625=)

Gene: EFTUD2 (elongation factor Tu GTP binding domain containing 2; minus strand). Cytogenetic location: 17q21.31.
Variant type: single nucleotide variant.
Coding change: c.1875C>T on transcript NM_004247.4 (MANE Select); coding-DNA position 1875, C replaced by T.
Protein change: p.Gly625=; no amino-acid change (glycine 625 retained).
Molecular consequence: synonymous variant.
Genome position (GRCh38, 1-based): chr17:44,859,167, G>A on the plus strand (C>T on the coding strand, the complement: EFTUD2 is on the minus strand). VCF-style: chr17-44859167-G-A. GRCh37 (hg19) VCF-style: chr17-42936535-G-A.
Other names: c.1770C>T, p.Gly590= (NM_001142605.2); c.1875C>T, p.Gly625= (NM_001258353.2); c.1845C>T, p.Gly615= (NM_001258354.2); c.1875C>T (NM_004247.3).
Identifiers: ClinVar variation 2064003 (VCV002064003.7), dbSNP rs774829944, ClinGen allele CA8607652.
Genomic context (GRCh38, chr17:44,859,167, plus strand): 5'-CCGCAAATCATGCATCACACAGTCCAGGTAGAGCTCCCCAGTGCCCAGGATCACATGCTC[G>A]CCAGACTCCTCCACCTGAAACACAACAGGCAGTCACAGCCTGGATTCTCTTATGCCAGCA-3'
Protein context (NP_004238.3, residues 615-635): PSLTTKVEES[Gly625=]EHVILGTGEL